The following is an entry in ClinVar:

NM_014516.4(CNOT3):c.2249G>C (p.Arg750Pro)

Genes: CNOT3 (CCR4-NOT transcription complex subunit 3; plus strand), LENG1 (leukocyte receptor cluster member 1; minus strand). Cytogenetic location: 19q13.42.
Variant type: single nucleotide variant.
Coding change: c.2249G>C on transcript NM_014516.4 (MANE Select); coding-DNA position 2249, G replaced by C.
Protein change: p.Arg750Pro; replaces arginine 750 with proline.
Molecular consequence: missense variant. On other transcripts: 3 prime UTR variant (1).
Genome position (GRCh38, 1-based): chr19:54,155,394, G>C. VCF-style: chr19-54155394-G-C. GRCh37 (hg19) VCF-style: chr19-54659132-G-C.
Other names: c.*327C>G (NM_024316.3); short protein forms R750P.
Identifiers: ClinVar variation 3146619 (VCV003146619.2), dbSNP rs2075353663, ClinGen allele CA407772694.

ClinVar aggregate classification (germline): Uncertain significance (1 of 4 stars; one submission).

Conditions:
Inborn genetic diseases. Identifiers: MedGen C0950123, MeSH D030342.

Submission:

Ambry Genetics
Classification: Uncertain significance for Inborn genetic diseases. Last evaluated: 2024-03-29. Review status: criteria provided, single submitter. Criteria: Ambry Variant Classification Scheme 2023. Collection method: clinical testing. Allele origin: germline.
Comment: The c.2249G>C (p.R750P) alteration is located in exon 18 (coding exon 17) of the CNOT3 gene. This alteration results from a G to C substitution at nucleotide position 2249, causing the arginine (R) at amino acid position 750 to be replaced by a proline (P). This variant was not reported in population-based cohorts in the Genome Aggregation Database (gnomAD). This amino acid position is highly conserved in available vertebrate species. This missense alteration is located in a region that has a low rate of benign missense variation (Lek, 2016; Firth, 2009). The in silico prediction for this alteration is inconclusive. Based on insufficient or conflicting evidence, the clinical significance of this alteration remains unclear.